The following is an entry in ClinVar:

NM_033026.6(PCLO):c.15167T>C (p.Met5056Thr)

Gene: PCLO (piccolo presynaptic cytomatrix protein; minus strand). Cytogenetic location: 7q21.11.
Variant type: single nucleotide variant.
Coding change: c.15167T>C on transcript NM_033026.6 (MANE Select); coding-DNA position 15167, T replaced by C.
Protein change: p.Met5056Thr; replaces methionine 5056 with threonine.
Molecular consequence: missense variant.
Genome position (GRCh38, 1-based): chr7:82,760,760, A>G on the plus strand (T>C on the coding strand, the complement: PCLO is on the minus strand). VCF-style: chr7-82760760-A-G. GRCh37 (hg19) VCF-style: chr7-82390076-A-G.
Other names: short protein forms M5056T.
Identifiers: ClinVar variation 1473154 (VCV001473154.6), dbSNP rs535914782, ClinGen allele CA4318599.

ClinVar aggregate classification (germline): Uncertain significance (1 of 4 stars; one submission).

Allele frequency attached by ClinVar (database versions not stated): gnomAD exomes below 0.00001; ExAC 0.00001; gnomAD 0.00001; 1000 Genomes Project 30x 0.00016; 1000 Genomes Project 0.00020.
gnomAD v4.1: 5 of 1,488,286 alleles (0.00034%); highest among the groups gnomAD compares: African/African-American, 0.0056%; no homozygotes.

Submission:

Labcorp Genetics (formerly Invitae), Labcorp
Classification: Uncertain significance. Last evaluated: 2024-10-04. Review status: criteria provided, single submitter. Criteria: Invitae Variant Classification Sherloc (09022015). Collection method: clinical testing. Allele origin: germline.
Comment: This sequence change replaces methionine, which is neutral and non-polar, with threonine, which is neutral and polar, at codon 5056 of the PCLO protein (p.Met5056Thr). This variant is present in population databases (rs535914782, gnomAD 0.004%). This variant has not been reported in the literature in individuals affected with PCLO-related conditions. ClinVar contains an entry for this variant (Variation ID: 1473154). Experimental studies and prediction algorithms are not available or were not evaluated, and the functional significance of this variant is currently unknown. In summary, the available evidence is currently insufficient to determine the role of this variant in disease. Therefore, it has been classified as a Variant of Uncertain Significance.